The following is an entry in ClinVar:

NM_001386298.1(CIC):c.2985A>G (p.Pro995=)

Gene: CIC (capicua transcriptional repressor; plus strand). Cytogenetic location: 19q13.2.
Variant type: single nucleotide variant.
Coding change: c.2985A>G on transcript NM_001386298.1 (MANE Select); coding-DNA position 2985, A replaced by G.
Protein change: p.Pro995=; no amino-acid change (proline 995 retained).
Molecular consequence: synonymous variant.
Genome position (GRCh38, 1-based): chr19:42,287,046, A>G. VCF-style: chr19-42287046-A-G. GRCh37 (hg19) VCF-style: chr19-42791198-A-G.
Other names: c.2985A>G, p.Pro995= (NM_001304815.2, NM_001379480.1, NM_001379482.1 and 6 more transcripts); c.258A>G, p.Pro86= (NM_001379484.1, NM_001379485.1, NM_001439189.1 and 3 more transcripts).
Identifiers: ClinVar variation 5039545 (VCV005039545.1).
Genomic context (GRCh38, chr19:42,287,046, plus strand): 5'-ATCTACCTCTGTGTCCCCAGAACCTGCTGAGTCGGCAGCTGTTGCTCATGAACGGCCACC[A>G]GGTGGGACAGGGAGTGCTGACCCTGAGCGGCCCCCTGGAGCCACATGCCCTGAGAGCCCA-3'
Protein context (NP_001373227.1, residues 985-1005): ESAAVAHERP[Pro995=]GGTGSADPER

ClinVar aggregate classification (germline): Likely benign (1 of 4 stars; one submission).

Submission:

CeGaT Center for Human Genetics Tuebingen
Classification: Likely benign. Last evaluated: 2026-08-01. Review status: criteria provided, single submitter. Criteria: CeGaT Center For Human Genetics Tuebingen Variant Classification Criteria Version 2. Collection method: clinical testing. Allele origin: germline. Affected: yes. Observed: 1 variant allele.
Comment: CIC: PM2:Supporting, BP4, BP7